The following is an entry in ClinVar:

ClinVar aggregate classification (germline): Uncertain significance (1 of 4 stars; one submission).

Submission:

CeGaT Center for Human Genetics Tuebingen
Classification: Uncertain significance. Last evaluated: 2025-03-01. Review status: criteria provided, single submitter. Criteria: CeGaT Center For Human Genetics Tuebingen Variant Classification Criteria Version 2. Collection method: clinical testing. Allele origin: germline. Affected: yes. Observed: 1 variant allele.
Comment: FASTKD2: PM2, BP4

NM_001136193.2(FASTKD2):c.1405G>A (p.Val469Ile)

Gene: FASTKD2 (FASTK mitochondrial RNA regulator 2; plus strand). Cytogenetic location: 2q33.3.
Variant type: single nucleotide variant.
Coding change: c.1405G>A on transcript NM_001136193.2 (MANE Select); coding-DNA position 1405, G replaced by A.
Protein change: p.Val469Ile; replaces valine 469 with isoleucine.
Molecular consequence: missense variant.
Genome position (GRCh38, 1-based): chr2:206,774,375, G>A. VCF-style: chr2-206774375-G-A. GRCh37 (hg19) VCF-style: chr2-207639099-G-A.
Other names: c.1405G>A, p.Val469Ile (NM_001136194.2, NM_014929.4); short protein forms V469I.
Identifiers: ClinVar variation 3778257 (VCV003778257.7).